The following is an entry in ClinVar:

ClinVar aggregate classification (germline): Uncertain significance (1 of 4 stars; one submission).

Allele frequency attached by ClinVar (database versions not stated): gnomAD 0.00001; ExAC 0.00002; gnomAD exomes 0.00005.
gnomAD v4.1: 69 of 1,613,374 alleles (0.0043%); highest among the groups gnomAD compares: Non-Finnish European, 0.0056%; no homozygotes.

Submission:

GeneDx
Classification: Uncertain significance. Last evaluated: 2022-06-07. Review status: criteria provided, single submitter. Criteria: GeneDx Variant Classification Process June 2021. Collection method: clinical testing. Allele origin: germline. Affected: yes.
Comment: Not observed at significant frequency in large population cohorts (gnomAD); In silico analysis supports that this missense variant does not alter protein structure/function; Has not been previously published as pathogenic or benign to our knowledge

NM_001199799.2(ILDR1):c.1487G>A (p.Arg496His)

Gene: ILDR1 (immunoglobulin like domain containing receptor 1; minus strand). Cytogenetic location: 3q13.33.
Variant type: single nucleotide variant.
Coding change: c.1487G>A on transcript NM_001199799.2 (MANE Select); coding-DNA position 1487, G replaced by A.
Protein change: p.Arg496His; replaces arginine 496 with histidine.
Molecular consequence: missense variant.
Genome position (GRCh38, 1-based): chr3:121,993,262, C>T on the plus strand (G>A on the coding strand, the complement: ILDR1 is on the minus strand). VCF-style: chr3-121993262-C-T. GRCh37 (hg19) VCF-style: chr3-121712109-C-T.
Other names: c.1220G>A, p.Arg407His (NM_001199800.2); c.1355G>A, p.Arg452His (NM_175924.4); short protein forms R407H, R452H, R496H.
Identifiers: ClinVar variation 1803673 (VCV001803673.1), dbSNP rs757986659, ClinGen allele CA2568660.